The following is an entry in ClinVar:

ClinVar aggregate classification (germline): Uncertain significance (1 of 4 stars; one submission).

Submission:

Labcorp Genetics (formerly Invitae), Labcorp
Classification: Uncertain significance. Last evaluated: 2021-06-19. Review status: criteria provided, single submitter. Criteria: Invitae Variant Classification Sherloc (09022015). Collection method: clinical testing. Allele origin: germline.
Comment: This variant is not present in population databases (ExAC no frequency). In summary, the available evidence is currently insufficient to determine the role of this variant in disease. Therefore, it has been classified as a Variant of Uncertain Significance. Algorithms developed to predict the effect of missense changes on protein structure and function are either unavailable or do not agree on the potential impact of this missense change (SIFT: "Deleterious"; PolyPhen-2: "Probably Damaging"; Align-GVGD: "Class C0"). This variant has not been reported in the literature in individuals with SPEG-related conditions. This sequence change replaces cysteine with arginine at codon 3042 of the SPEG protein (p.Cys3042Arg). The cysteine residue is highly conserved and there is a large physicochemical difference between cysteine and arginine.

NM_005876.5(SPEG):c.9124T>C (p.Cys3042Arg)

Genes: ASIC4-AS1 (ASIC4 antisense RNA 1; minus strand), SPEG (striated muscle enriched protein kinase; plus strand). Cytogenetic location: 2q35.
Variant type: single nucleotide variant.
Coding change: c.9124T>C on transcript NM_005876.5 (MANE Select); coding-DNA position 9124, T replaced by C.
Protein change: p.Cys3042Arg; replaces cysteine 3042 with arginine.
Molecular consequence: missense variant.
Genome position (GRCh38, 1-based): chr2:219,490,611, T>C. VCF-style: chr2-219490611-T-C. GRCh37 (hg19) VCF-style: chr2-220355333-T-C.
Other names: short protein forms C3042R.
Identifiers: ClinVar variation 1401948 (VCV001401948.8), dbSNP rs2125598413, ClinGen allele CA350714618.